The following is an entry in ClinVar:

ClinVar aggregate classification (germline): Uncertain significance. Review status: criteria provided, multiple submitters, no conflicts (2 of 4 stars). 3 submissions from 3 submitters: Uncertain significance (3). Last evaluated 2024-10-18.

Conditions:
ASPH-related disorder. Also called: ASPH-related condition.

Allele frequency attached by ClinVar (database versions not stated): gnomAD 0.00005; ExAC 0.00007; TOPMed 0.00009.
gnomAD v4.1: 49 of 1,613,542 alleles (0.003%); highest among the groups gnomAD compares: Admixed American, 0.018%; no homozygotes.

Submissions (3):

PreventionGenetics, part of Exact Sciences
Classification: Uncertain significance for ASPH-related condition. Last evaluated: 2024-10-18. Review status: criteria provided, single submitter. Criteria: ACMG Guidelines, 2015. Collection method: clinical testing. Allele origin: germline.
Comment: The ASPH c.1273C>T variant is predicted to result in the amino acid substitution p.Arg425Cys. To our knowledge, this variant has not been reported in the literature. This variant is reported in 0.014% of alleles in individuals of Latino descent in gnomAD. At this time, the clinical significance of this variant is uncertain due to the absence of conclusive functional and genetic evidence.

Labcorp Genetics (formerly Invitae), Labcorp
Classification: Uncertain significance. Last evaluated: 2023-05-10. Review status: criteria provided, single submitter. Criteria: Invitae Variant Classification Sherloc (09022015). Collection method: clinical testing. Allele origin: germline.
Comment: ClinVar contains an entry for this variant (Variation ID: 499844). This sequence change replaces arginine, which is basic and polar, with cysteine, which is neutral and slightly polar, at codon 425 of the ASPH protein (p.Arg425Cys). This variant is present in population databases (rs751131305, gnomAD 0.01%). This variant has not been reported in the literature in individuals affected with ASPH-related conditions. An algorithm developed to predict the effect of missense changes on protein structure and function (PolyPhen-2) suggests that this variant is likely to be disruptive. In summary, the available evidence is currently insufficient to determine the role of this variant in disease. Therefore, it has been classified as a Variant of Uncertain Significance.

Eurofins Ntd Llc (ga)
Classification: Uncertain significance. Last evaluated: 2017-01-10. Review status: criteria provided, single submitter. Criteria: EGL Classification Definitions 2015. Collection method: clinical testing. Allele origin: germline. Observed: 1 variant allele, 1 heterozygote.

NM_004318.4(ASPH):c.1273C>T (p.Arg425Cys)

Gene: ASPH (aspartate beta-hydroxylase; minus strand). Cytogenetic location: 8q12.3.
Variant type: single nucleotide variant.
Coding change: c.1273C>T on transcript NM_004318.4 (MANE Select); coding-DNA position 1273, C replaced by T.
Protein change: p.Arg425Cys; replaces arginine 425 with cysteine.
Molecular consequence: missense variant.
Genome position (GRCh38, 1-based): chr8:61,567,195, G>A on the plus strand (C>T on the coding strand, the complement: ASPH is on the minus strand). VCF-style: chr8-61567195-G-A. GRCh37 (hg19) VCF-style: chr8-62479754-G-A.
Other names: c.1186C>T, p.Arg396Cys (NM_001164750.2); c.1273C>T (NM_004318.3); short protein forms R425C, R396C.
Identifiers: ClinVar variation 499844 (VCV000499844.10), dbSNP rs751131305, ClinGen allele CA4761799.